The following is an entry in ClinVar:

ClinVar aggregate classification (germline): Uncertain significance. Review status: criteria provided, multiple submitters, no conflicts (2 of 4 stars). 7 submissions from 7 submitters: Uncertain significance (6). 1 of the submissions does not count toward it. Last evaluated 2024-09-04.

Conditions:
EFEMP2-related disorder. Also called: EFEMP2-related condition.
Cardiovascular phenotype. Identifiers: MedGen CN230736.
Cutis laxa, autosomal recessive, type 1B (ARCL1B). Also called: EFEMP2-Related Cutis Laxa; CUTIS LAXA, AUTOSOMAL RECESSIVE, TYPE IB. Identifiers: Orphanet 90349, MedGen C3280798, MONDO:0013754, OMIM 614437. Disease mechanism: loss of function.

Allele frequency attached by ClinVar (database versions not stated): ESP Exome Variant Server 0.00015; TOPMed 0.00015.
gnomAD v4.1: 245 of 1,614,080 alleles (0.015%); highest among the groups gnomAD compares: Admixed American, 0.02%; no homozygotes.

Submissions (7):

Ambry Genetics
Classification: Uncertain significance for Cardiovascular phenotype. Last evaluated: 2024-09-04. Review status: criteria provided, single submitter. Criteria: Ambry Variant Classification Scheme 2023. Collection method: clinical testing. Allele origin: germline.
Comment: The p.D116E variant (also known as c.348C>A), located in coding exon 3 of the EFEMP2 gene, results from a C to A substitution at nucleotide position 348. The aspartic acid at codon 116 is replaced by glutamic acid, an amino acid with highly similar properties. This amino acid position is well conserved in available vertebrate species. In addition, this alteration is predicted to be tolerated by in silico analysis. Since supporting evidence is limited at this time, the clinical significance of this alteration remains unclear.

GeneDx
Classification: Uncertain significance. Last evaluated: 2024-03-20. Review status: criteria provided, single submitter. Criteria: GeneDx Variant Classification Process June 2021. Collection method: clinical testing. Allele origin: germline. Affected: yes.
Comment: Has not been previously published as pathogenic or benign to our knowledge; In silico analysis supports that this missense variant does not alter protein structure/function

Women's Health and Genetics/Laboratory Corporation of America, LabCorp
Classification: Uncertain significance. Last evaluated: 2023-08-24. Review status: criteria provided, single submitter. Criteria: LabCorp Variant Classification Summary - May 2015. Collection method: clinical testing. Allele origin: germline.

Labcorp Genetics (formerly Invitae), Labcorp
Classification: Uncertain significance for Cutis laxa, autosomal recessive, type 1B. Last evaluated: 2022-08-21. Review status: criteria provided, single submitter. Criteria: Invitae Variant Classification Sherloc (09022015). Collection method: clinical testing. Allele origin: germline.
Comment: This sequence change replaces aspartic acid, which is acidic and polar, with glutamic acid, which is acidic and polar, at codon 116 of the EFEMP2 protein (p.Asp116Glu). This variant is present in population databases (rs376350227, gnomAD 0.04%). This variant has not been reported in the literature in individuals affected with EFEMP2-related conditions. ClinVar contains an entry for this variant (Variation ID: 582876). Algorithms developed to predict the effect of missense changes on protein structure and function are either unavailable or do not agree on the potential impact of this missense change (SIFT: "Deleterious"; PolyPhen-2: "Benign"; Align-GVGD: "Class C0"). In summary, the available evidence is currently insufficient to determine the role of this variant in disease. Therefore, it has been classified as a Variant of Uncertain Significance.

Baylor Genetics
Classification: Uncertain significance for Cutis laxa, autosomal recessive, type 1B. Last evaluated: 2019-04-12. Review status: criteria provided, single submitter. Criteria: ACMG Guidelines, 2015. Collection method: clinical testing. Allele origin: unknown. Affected: yes.
Comment: This variant was determined to be of uncertain significance according to ACMG Guidelines, 2015 [PMID:25741868].

CeGaT Center for Human Genetics Tuebingen
Classification: Uncertain significance. Last evaluated: 2018-06-01. Review status: criteria provided, single submitter. Criteria: CeGaT Center For Human Genetics Tuebingen Variant Classification Criteria Version 2. Collection method: clinical testing. Allele origin: germline. Affected: yes. Observed: 1 variant allele.

PreventionGenetics, part of Exact Sciences
Classification: Uncertain significance for EFEMP2-related condition. Last evaluated: 2024-03-11. Review status: no assertion criteria provided. Collection method: clinical testing. Allele origin: germline. Not counted in ClinVar's aggregate classification.
Comment: The EFEMP2 c.348C>A variant is predicted to result in the amino acid substitution p.Asp116Glu. To our knowledge, this variant has not been reported in the literature. This variant is reported in 0.040% of alleles in individuals of Latino descent in gnomAD. At this time, the clinical significance of this variant is uncertain due to the absence of conclusive functional and genetic evidence.

NM_016938.5(EFEMP2):c.348C>A (p.Asp116Glu)

Gene: EFEMP2 (EGF-like fibulin extracellular matrix protein 2; minus strand). Cytogenetic location: 11q13.1.
Variant type: single nucleotide variant.
Coding change: c.348C>A on transcript NM_016938.5 (MANE Select); coding-DNA position 348, C replaced by A.
Protein change: p.Asp116Glu; replaces aspartic acid 116 with glutamic acid.
Molecular consequence: missense variant. On other transcripts: non-coding transcript variant (1).
Genome position (GRCh38, 1-based): chr11:65,871,176, G>T on the plus strand (C>A on the coding strand, the complement: EFEMP2 is on the minus strand). VCF-style: chr11-65871176-G-T. GRCh37 (hg19) VCF-style: chr11-65638647-G-T.
Other names: short protein forms D116E.
Identifiers: ClinVar variation 582876 (VCV000582876.52), dbSNP rs376350227, ClinGen allele CA6110707.
Genomic context (GRCh38, chr11:65,871,176, plus strand): 5'-GAGAGGACTGGAAGCCAGGCACCAGAGCAGTCCCCACTCACCCACACAGCTGTCCTGATC[G>T]TCGGGCTCATAGCCTGGTGGGCAGGGGTTGGGGTGTTGAGCGGGAGGCACTGGTGGCGGG-3'
Protein context (NP_058634.4, residues 106-126): PNPCPPGYEP[Asp116Glu]DQDSCVDVDE